The following is an entry in ClinVar:

NM_000834.5(GRIN2B):c.3388C>T (p.Arg1130Trp)

Gene: GRIN2B (glutamate ionotropic receptor NMDA type subunit 2B; minus strand). Cytogenetic location: 12p13.1.
Variant type: single nucleotide variant.
Coding change: c.3388C>T on transcript NM_000834.5 (MANE Select); coding-DNA position 3388, C replaced by T.
Protein change: p.Arg1130Trp; replaces arginine 1130 with tryptophan.
Molecular consequence: missense variant.
Genome position (GRCh38, 1-based): chr12:13,563,850, G>A on the plus strand (C>T on the coding strand, the complement: GRIN2B is on the minus strand). VCF-style: chr12-13563850-G-A. GRCh37 (hg19) VCF-style: chr12-13716784-G-A.
Other names: short protein forms R1130W.
Identifiers: ClinVar variation 1028884 (VCV001028884.3), dbSNP rs1320154351, ClinGen allele CA383989660.

ClinVar aggregate classification (germline): Conflicting classifications of pathogenicity. Review status: criteria provided, conflicting classifications (1 of 4 stars). 3 submissions from 3 submitters: Likely pathogenic (2); Uncertain significance (1). Last evaluated 2023-11-10.

Conditions:
Developmental and epileptic encephalopathy, 27 (DEE27). Also called: Epileptic encephalopathy, early infantile, 27; GRIN2B-Related Neurodevelopmental Disorder. Identifiers: Orphanet 3451, MedGen C4015316, MONDO:0014505, OMIM 616139.

gnomAD v4.1: 1 of 1,614,080 alleles (0.000062%); no homozygotes.

Submissions (3):

Daryl Scott Lab, Baylor College of Medicine
Classification: Likely pathogenic for Developmental and epileptic encephalopathy, 27. Last evaluated: 2023-11-10. Review status: criteria provided, single submitter. Criteria: ACMG Guidelines, 2015. Collection method: clinical testing. Allele origin: de novo. Affected: yes. Observed: 1 mosaic individual.

GeneDx
Classification: Uncertain significance. Last evaluated: 2023-07-23. Review status: criteria provided, single submitter. Criteria: GeneDx Variant Classification Process June 2021. Collection method: clinical testing. Allele origin: germline. Affected: yes.
Comment: Not observed at significant frequency in large population cohorts (gnomAD); In silico analysis supports that this missense variant has a deleterious effect on protein structure/function; Reported as likely pathogenic in ClinVar but additional evidence is not available (ClinVar SCV#001521643.1); Has not been previously published as pathogenic or benign to our knowledge

Baylor Genetics
Classification: Likely pathogenic for Developmental and epileptic encephalopathy, 27. Last evaluated: 2019-06-17. Review status: criteria provided, single submitter. Criteria: ACMG Guidelines, 2015. Collection method: clinical testing. Allele origin: de novo. Affected: yes.
Comment: This variant was determined to be likely pathogenic according to ACMG Guidelines, 2015 [PMID:25741868].